The following is an entry in ClinVar:

ClinVar aggregate classification (germline): Uncertain significance (1 of 4 stars; one submission).

Conditions:
Cardiovascular phenotype. Identifiers: MedGen CN230736.

Submission:

Ambry Genetics
Classification: Uncertain significance for Cardiovascular phenotype. Last evaluated: 2022-10-03. Review status: criteria provided, single submitter. Criteria: Ambry Variant Classification Scheme 2023. Collection method: clinical testing. Allele origin: germline.
Comment: The p.E582K variant (also known as c.1744G>A), located in coding exon 13 of the CACNB2 gene, results from a G to A substitution at nucleotide position 1744. The glutamic acid at codon 582 is replaced by lysine, an amino acid with similar properties. This amino acid position is conserved. In addition, the in silico prediction for this alteration is inconclusive. Since supporting evidence is limited at this time, the clinical significance of this alteration remains unclear.

NM_201596.3(CACNB2):c.1906G>A (p.Glu636Lys)

Gene: CACNB2 (calcium voltage-gated channel auxiliary subunit beta 2; plus strand). Cytogenetic location: 10p12.31.
Variant type: single nucleotide variant.
Coding change: c.1906G>A on transcript NM_201596.3 (MANE Select); coding-DNA position 1906, G replaced by A.
Protein change: p.Glu636Lys; replaces glutamic acid 636 with lysine.
Molecular consequence: missense variant.
Genome position (GRCh38, 1-based): chr10:18,539,647, G>A. VCF-style: chr10-18539647-G-A. GRCh37 (hg19) VCF-style: chr10-18828576-G-A.
Other names: c.1741G>A, p.Glu581Lys (NM_000724.4); c.1708G>A, p.Glu570Lys (NM_001167945.2); c.1627G>A, p.Glu543Lys (NM_001330060.2); c.1648G>A, p.Glu550Lys (NM_001410882.1); c.1762G>A, p.Glu588Lys (NM_201570.3); c.1822G>A, p.Glu608Lys (NM_201571.4); c.1750G>A, p.Glu584Lys (NM_201572.4); c.1744G>A, p.Glu582Lys (NM_201590.3); and 2 more; short protein forms E582K, E636K, E543K, E581K, E584K, E612K, E550K, E570K.
Identifiers: ClinVar variation 1779260 (VCV001779260.2), dbSNP rs1554843193, ClinGen allele CA376072792.
Genomic context (GRCh38, chr10:18,539,647, plus strand): 5'-CAGGACCACAACGAGTGCAACAAGCAGCGCAGCCGTCATAAATCCAAGGATCGCTACTGT[G>A]AAAAGGATGGAGAAGTGATATCAAAAAAACGGAATGAGGCTGGGGAGTGGAACAGGGATG-3'
Protein context (NP_963890.2, residues 626-646): SRHKSKDRYC[Glu636Lys]KDGEVISKKR